The following is an entry in ClinVar:

NM_000760.4(CSF3R):c.568C>T (p.Arg190Cys)

Gene: CSF3R (colony stimulating factor 3 receptor; minus strand). Cytogenetic location: 1p34.3.
Variant type: single nucleotide variant.
Coding change: c.568C>T on transcript NM_000760.4 (MANE Select); coding-DNA position 568, C replaced by T.
Protein change: p.Arg190Cys; replaces arginine 190 with cysteine.
Molecular consequence: missense variant.
Genome position (GRCh38, 1-based): chr1:36,473,540, G>A on the plus strand (C>T on the coding strand, the complement: CSF3R is on the minus strand). VCF-style: chr1-36473540-G-A. GRCh37 (hg19) VCF-style: chr1-36939141-G-A.
Other names: c.568C>T, p.Arg190Cys (NM_156039.3, NM_172313.3); short protein forms R190C.
Identifiers: ClinVar variation 1473897 (VCV001473897.8), dbSNP rs757569036, ClinGen allele CA769432.

ClinVar aggregate classification (germline): Uncertain significance (1 of 4 stars; one submission).

Conditions:
Autosomal recessive severe congenital neutropenia due to CSF3R deficiency. Also called: Neutropenia, severe congenital, 7, autosomal recessive. Identifiers: Orphanet 420702, MedGen C4310764, MONDO:0014865, OMIM 617014.

Allele frequency attached by ClinVar (database versions not stated): ExAC 0.00001; TOPMed 0.00003; gnomAD 0.00005.
gnomAD v4.1: 15 of 1,614,052 alleles (0.00093%); highest among the groups gnomAD compares: Middle Eastern, 0.016%; no homozygotes.

Submission:

Labcorp Genetics (formerly Invitae), Labcorp
Classification: Uncertain significance for Autosomal recessive severe congenital neutropenia due to CSF3R deficiency. Last evaluated: 2024-12-24. Review status: criteria provided, single submitter. Criteria: Invitae Variant Classification Sherloc (09022015). Collection method: clinical testing. Allele origin: germline.
Comment: This sequence change replaces arginine, which is basic and polar, with cysteine, which is neutral and slightly polar, at codon 190 of the CSF3R protein (p.Arg190Cys). This variant is present in population databases (rs757569036, gnomAD 0.004%). This missense change has been observed in individual(s) with severe congenital neutropenia (internal data). In at least one individual the data is consistent with being in trans (on the opposite chromosome) from a pathogenic variant. ClinVar contains an entry for this variant (Variation ID: 1473897). Invitae Evidence Modeling of protein sequence and biophysical properties (such as structural, functional, and spatial information, amino acid conservation, physicochemical variation, residue mobility, and thermodynamic stability) indicates that this missense variant is expected to disrupt CSF3R protein function with a positive predictive value of 80%. This variant disrupts the p.Arg190 amino acid residue in CSF3R. Other variant(s) that disrupt this residue have been observed in individuals with CSF3R-related conditions (PMID: 30028820), which suggests that this may be a clinically significant amino acid residue. In summary, the available evidence is currently insufficient to determine the role of this variant in disease. Therefore, it has been classified as a Variant of Uncertain Significance.

Literature cited by the submitters: PubMed 30028820.